The following is an entry in ClinVar:

ClinVar aggregate classification (germline): Uncertain significance (1 of 4 stars; one submission).

Conditions:
UBE4A-related disorder. Also called: UBE4A-related condition.

Submission:

PreventionGenetics, part of Exact Sciences
Classification: Uncertain significance for UBE4A-related condition. Last evaluated: 2025-04-01. Review status: criteria provided, single submitter. Criteria: ACMG Guidelines, 2015. Collection method: clinical testing. Allele origin: germline.
Comment: The UBE4A c.1244A>T variant is predicted to result in the amino acid substitution p.His415Leu. To our knowledge, this variant has not been reported in the literature or in gnomAD, indicating this variant is rare. At this time, the clinical significance of this variant is uncertain due to the absence of conclusive functional and genetic evidence.

NM_001204077.2(UBE4A):c.1223A>T (p.His408Leu)

Gene: UBE4A (ubiquitination factor E4A; plus strand). Cytogenetic location: 11q23.3.
Variant type: single nucleotide variant.
Coding change: c.1223A>T on transcript NM_001204077.2 (MANE Select); coding-DNA position 1223, A replaced by T.
Protein change: p.His408Leu; replaces histidine 408 with leucine.
Molecular consequence: missense variant.
Genome position (GRCh38, 1-based): chr11:118,375,002, A>T. VCF-style: chr11-118375002-A-T. GRCh37 (hg19) VCF-style: chr11-118245717-A-T.
Other names: c.1244A>T, p.His415Leu (NM_004788.4); short protein forms H408L, H415L.
Identifiers: ClinVar variation 2631375 (VCV002631375.2), dbSNP rs782049962, ClinGen allele CA382788469.